The following is an entry in ClinVar:

ClinVar aggregate classification (germline): Uncertain significance (1 of 4 stars; one submission).

Conditions:
Inborn genetic diseases. Identifiers: MedGen C0950123, MeSH D030342.

Submission:

Ambry Genetics
Classification: Uncertain significance for Inborn genetic diseases. Last evaluated: 2026-05-04. Review status: criteria provided, single submitter. Criteria: Ambry Variant Classification Scheme 2023. Collection method: clinical testing. Allele origin: germline.
Comment: The p.S459F variant (also known as c.1376C>T), located in coding exon 6 of the SH2B3 gene, results from a C to T substitution at nucleotide position 1376. The serine at codon 459 is replaced by phenylalanine, an amino acid with highly dissimilar properties. This amino acid position is conserved. In addition, the in silico prediction for this alteration is inconclusive. Based on the available evidence, the clinical significance of this variant remains unclear.

NM_005475.3(SH2B3):c.1376C>T (p.Ser459Phe)

Gene: SH2B3 (SH2B adaptor protein 3; plus strand). Cytogenetic location: 12q24.12.
Variant type: single nucleotide variant.
Coding change: c.1376C>T on transcript NM_005475.3 (MANE Select); coding-DNA position 1376, C replaced by T.
Protein change: p.Ser459Phe; replaces serine 459 with phenylalanine.
Molecular consequence: missense variant.
Genome position (GRCh38, 1-based): chr12:111,447,795, C>T. VCF-style: chr12-111447795-C-T. GRCh37 (hg19) VCF-style: chr12-111885599-C-T.
Other names: c.770C>T, p.Ser257Phe (NM_001291424.1); short protein forms S257F, S459F.
Identifiers: ClinVar variation 4864440 (VCV004864440.1).